The following is an entry in ClinVar:

ClinVar aggregate classification (germline): Uncertain significance. Review status: criteria provided, multiple submitters, no conflicts (2 of 4 stars). 2 submissions from 2 submitters: Uncertain significance (2). Last evaluated 2024-02-21.

Conditions:
Cardiovascular phenotype. Identifiers: MedGen CN230736.
Capillary malformation-arteriovenous malformation syndrome. Also called: Capillary malformation-arteriovenous malformation. Identifiers: Orphanet 137667, MedGen C1842180, MONDO:0012016.

Allele frequency attached by ClinVar (database versions not stated): TOPMed 0.00001.

Submissions (2):

Labcorp Genetics (formerly Invitae), Labcorp
Classification: Uncertain significance for Capillary malformation-arteriovenous malformation syndrome. Last evaluated: 2024-02-21. Review status: criteria provided, single submitter. Criteria: Invitae Variant Classification Sherloc (09022015). Collection method: clinical testing. Allele origin: germline.
Comment: This sequence change replaces histidine, which is basic and polar, with tyrosine, which is neutral and polar, at codon 552 of the RASA1 protein (p.His552Tyr). This variant is not present in population databases (gnomAD no frequency). This variant has not been reported in the literature in individuals affected with RASA1-related conditions. ClinVar contains an entry for this variant (Variation ID: 1777318). An algorithm developed to predict the effect of missense changes on protein structure and function (PolyPhen-2) suggests that this variant is likely to be disruptive. In summary, the available evidence is currently insufficient to determine the role of this variant in disease. Therefore, it has been classified as a Variant of Uncertain Significance.

Ambry Genetics
Classification: Uncertain significance for Cardiovascular phenotype. Last evaluated: 2022-01-26. Review status: criteria provided, single submitter. Criteria: Ambry Variant Classification Scheme 2023. Collection method: clinical testing. Allele origin: germline.
Comment: The p.H552Y variant (also known as c.1654C>T), located in coding exon 12 of the RASA1 gene, results from a C to T substitution at nucleotide position 1654. The histidine at codon 552 is replaced by tyrosine, an amino acid with similar properties. This amino acid position is conserved. In addition, the in silico prediction for this alteration is inconclusive. Since supporting evidence is limited at this time, the clinical significance of this alteration remains unclear.

NM_002890.3(RASA1):c.1654C>T (p.His552Tyr)

Genes: CCNH (cyclin H; minus strand), RASA1 (RAS p21 protein activator 1; plus strand). Cytogenetic location: 5q14.3.
Variant type: single nucleotide variant.
Coding change: c.1654C>T on transcript NM_002890.3 (MANE Select); coding-DNA position 1654, C replaced by T.
Protein change: p.His552Tyr; replaces histidine 552 with tyrosine.
Molecular consequence: missense variant. On other transcripts: intron variant (1).
Genome position (GRCh38, 1-based): chr5:87,369,856, C>T. VCF-style: chr5-87369856-C-T. GRCh37 (hg19) VCF-style: chr5-86665673-C-T.
Other names: c.1123C>T, p.His375Tyr (NM_022650.3); c.933+25188G>A (NM_001364075.2); short protein forms H552Y, H375Y.
Identifiers: ClinVar variation 1777318 (VCV001777318.5), dbSNP rs1760801149, ClinGen allele CA360371904.